The following is an entry in ClinVar:

ClinVar aggregate classification (germline): Uncertain significance. Review status: criteria provided, multiple submitters, no conflicts (2 of 4 stars). 4 submissions from 4 submitters: Uncertain significance (4). Last evaluated 2025-05-18.

Conditions:
Hereditary cancer-predisposing syndrome. Also called: Neoplastic Syndromes, Hereditary; Tumor predisposition; Hereditary Cancer Syndrome; Hereditary neoplastic syndrome. Identifiers: Orphanet 140162, MedGen C0027672, MeSH D009386, MONDO:0015356.
Classic or attenuated familial adenomatous polyposis. Identifiers: MedGen CN372698, MONDO:0021057.
Familial adenomatous polyposis 1 (FAP1). Also called: FAMILIAL ADENOMATOUS POLYPOSIS 1, ATTENUATED; POLYPOSIS, ADENOMATOUS INTESTINAL. Identifiers: MedGen C2713442, MONDO:0021056, OMIM 175100. Disease mechanism: loss of function.

Submissions (4):

Labcorp Genetics (formerly Invitae), Labcorp
Classification: Uncertain significance for Familial adenomatous polyposis 1. Last evaluated: 2025-05-18. Review status: criteria provided, single submitter. Criteria: Invitae Variant Classification Sherloc (09022015). Collection method: clinical testing. Allele origin: germline.
Comment: This sequence change replaces serine, which is neutral and polar, with alanine, which is neutral and non-polar, at codon 2343 of the APC protein (p.Ser2343Ala). This variant is not present in population databases (gnomAD no frequency). This variant has not been reported in the literature in individuals affected with APC-related conditions. ClinVar contains an entry for this variant (Variation ID: 1756749). Invitae Evidence Modeling of protein sequence and biophysical properties (such as structural, functional, and spatial information, amino acid conservation, physicochemical variation, residue mobility, and thermodynamic stability) indicates that this missense variant is not expected to disrupt APC protein function with a negative predictive value of 95%. In summary, the available evidence is currently insufficient to determine the role of this variant in disease. Therefore, it has been classified as a Variant of Uncertain Significance.

GeneDx
Classification: Uncertain significance. Last evaluated: 2024-05-30. Review status: criteria provided, single submitter. Criteria: GeneDx Variant Classification Process June 2021. Collection method: clinical testing. Allele origin: germline. Affected: yes.
Comment: Not observed at significant frequency in large population cohorts (gnomAD); In silico analysis indicates that this missense variant does not alter protein structure/function; Has not been previously published as pathogenic or benign to our knowledge; This variant is associated with the following publications: (PMID: 18199528)

All of Us Research Program, National Institutes of Health
Classification: Uncertain significance for Classic or attenuated familial adenomatous polyposis. Last evaluated: 2024-03-05. Review status: criteria provided, single submitter. Criteria: ACMG Guidelines, 2015. Collection method: clinical testing. Allele origin: germline. Inheritance: Autosomal dominant inheritance. Observed: 1 variant allele, 1 heterozygote.
Comment: This study involves interpretation of variants in research participants for the purpose of population health screening. Participant phenotype was not available at the time of variant classification. Additional details can be found in publication PMID: 35346344, PMCID: PMC8962531

Ambry Genetics
Classification: Uncertain significance for Hereditary cancer-predisposing syndrome. Last evaluated: 2023-12-27. Review status: criteria provided, single submitter. Criteria: Ambry Variant Classification Scheme 2023. Collection method: clinical testing. Allele origin: germline.
Comment: The p.S2343A variant (also known as c.7027T>G), located in coding exon 15 of the APC gene, results from a T to G substitution at nucleotide position 7027. The serine at codon 2343 is replaced by alanine, an amino acid with similar properties. This amino acid position is well conserved in available vertebrate species. In addition, in silico predictors for this gene do not accurately predict pathogenicity. Since supporting evidence is limited at this time, the clinical significance of this alteration remains unclear.

NM_000038.6(APC):c.7027T>G (p.Ser2343Ala)

Gene: APC (APC regulator of Wnt signaling pathway; plus strand). Cytogenetic location: 5q22.2.
Variant type: single nucleotide variant.
Coding change: c.7027T>G on transcript NM_000038.6 (MANE Select); coding-DNA position 7027, T replaced by G.
Protein change: p.Ser2343Ala; replaces serine 2343 with alanine.
Molecular consequence: missense variant.
Genome position (GRCh38, 1-based): chr5:112,842,621, T>G. VCF-style: chr5-112842621-T-G. GRCh37 (hg19) VCF-style: chr5-112178318-T-G.
Other names: c.7027T>G, p.Ser2343Ala (NM_001127510.3, NM_001354895.2, NM_001407450.1); c.6973T>G, p.Ser2325Ala (NM_001127511.3); c.7081T>G, p.Ser2361Ala (NM_001354896.2, NM_001407447.1, NM_001407448.1 and 1 more transcripts); c.7057T>G, p.Ser2353Ala (NM_001354897.2); c.6952T>G, p.Ser2318Ala (NM_001354898.2); c.6943T>G, p.Ser2315Ala (NM_001354899.2); c.6904T>G, p.Ser2302Ala (NM_001354900.2); c.6850T>G, p.Ser2284Ala (NM_001354901.2, NM_001407453.1); and 11 more; short protein forms S2060A, S2183A, S2214A, S2217A, S2260A, S2315A, S2343A, S2353A.
Identifiers: ClinVar variation 1756749 (VCV001756749.7), dbSNP rs1014575548, ClinGen allele CA16036650.
Genomic context (GRCh38, chr5:112,842,621, plus strand): 5'-TCTCCTGGCCGAAACTCAATTTCCCCTGGTAGAAATGGAATAAGTCCTCCTAACAAATTA[T>G]CTCAACTTCCAAGGACATCATCCCCTAGTACTGCTTCAACTAAGTCCTCAGGTTCTGGAA-3'
Protein context (NP_000029.2, residues 2333-2353): RNGISPPNKL[Ser2343Ala]QLPRTSSPST